The following is an entry in ClinVar:

NM_000937.5(POLR2A):c.3872A>G (p.Asn1291Ser)

Genes: POLR2A (RNA polymerase II subunit A; plus strand), LOC126862482 (CDK7 strongly-dependent group 2 enhancer GRCh37_chr17:7414586-7415785; plus strand). Cytogenetic location: 17p13.1.
Variant type: single nucleotide variant.
Coding change: c.3872A>G on transcript NM_000937.5 (MANE Select); coding-DNA position 3872, A replaced by G.
Protein change: p.Asn1291Ser; replaces asparagine 1291 with serine.
Molecular consequence: missense variant.
Genome position (GRCh38, 1-based): chr17:7,511,273, A>G. VCF-style: chr17-7511273-A-G. GRCh37 (hg19) VCF-style: chr17-7414592-A-G.
Other names: short protein forms N1291S.
Identifiers: ClinVar variation 4851744 (VCV004851744.1).

ClinVar aggregate classification (germline): Uncertain significance (1 of 4 stars; one submission).

Submission:

Greenwood Genetic Center Diagnostic Laboratories, Greenwood Genetic Center
Classification: Uncertain significance. Last evaluated: 2025-01-09. Review status: criteria provided, single submitter. Criteria: ACMG Guidelines, 2015. Collection method: clinical testing. Allele origin: germline.
Comment: PM2, PP2